The following is an entry in ClinVar:

NM_025114.4(CEP290):c.5714del (p.Ala1905fs)

Gene: CEP290 (centrosomal protein 290; minus strand). Cytogenetic location: 12q21.32.
Variant type: Deletion.
Coding change: c.5714del on transcript NM_025114.4 (MANE Select); coding-DNA position 5714, one base deleted (C; older notation c.5714delC).
Protein change: p.Ala1905fs; shifts the reading frame from alanine 1905.
Molecular consequence: frameshift variant.
Genome position (GRCh38, 1-based): chr12:88,071,922, G deleted on the plus strand (C on the coding strand, the reverse complement: CEP290 is on the minus strand). VCF-style (leftmost placement, unchanged base first): chr12-88071921-AG-A. GRCh37 (hg19) VCF-style: chr12-88465698-AG-A.
Other names: short protein forms A1905fs.
Identifiers: ClinVar variation 1453250 (VCV001453250.8), dbSNP rs2136966486, ClinGen allele CA481072094.
Genomic context (GRCh38, chr12:88,071,921, plus strand): 5'-AATTCCTTCTATTTTGGCTTGCCACTTTTTACCTTCTTCCCACCTAATTAATTCTTCTTT[AG>A]CATTCTGTAACAATAACGAAGGAGGTAGGAAAATTACCAGTGTTATTTTAAATTTTCTTT-3'

ClinVar aggregate classification (germline): Pathogenic (1 of 4 stars; one submission).

Conditions:
Nephronophthisis. Also called: Juvenile Nephronophthisis. Identifiers: Orphanet 655, MedGen C0687120, MONDO:0019005, HP:0000090.
Meckel-Gruber syndrome. Also called: DYSENCEPHALIA SPLANCHNOCYSTICA; GRUBER SYNDROME; Dysencephalia splachnocystica. Identifiers: Orphanet 564, MedGen C0265215, MONDO:0018921.
Joubert syndrome. Also called: CEREBELLOPARENCHYMAL DISORDER IV; JOUBERT-BOLTSHAUSER SYNDROME; Familial aplasia of the vermis. Identifiers: Orphanet 475, MedGen C5979921, MONDO:0018772.

Submission:

Labcorp Genetics (formerly Invitae), Labcorp
Classification: Pathogenic for Joubert syndrome; Meckel-Gruber syndrome; Nephronophthisis. Last evaluated: 2021-06-03. Review status: criteria provided, single submitter. Criteria: Invitae Variant Classification Sherloc (09022015). Collection method: clinical testing. Allele origin: germline.
Comment: This sequence change creates a premature translational stop signal (p.Ala1905Valfs*5) in the CEP290 gene. It is expected to result in an absent or disrupted protein product. Loss-of-function variants in CEP290 are known to be pathogenic (PMID: 16909394, 17345604, 20690115). This variant is not present in population databases (ExAC no frequency). This variant has been observed in individual(s) with CEP290-related conditions (PMID: 23559409). Algorithms developed to predict the effect of sequence changes on RNA splicing suggest that this variant may create or strengthen a splice site, but this prediction has not been confirmed by published transcriptional studies. For these reasons, this variant has been classified as Pathogenic.

Literature cited by the submitters: PubMed 16909394; PubMed 17345604; PubMed 20690115; PubMed 23559409.